The following is an entry in ClinVar:

NM_000186.4(CFH):c.3173_3182del (p.Ala1057_Tyr1058insTer)

Gene: CFH (complement factor H; plus strand). Cytogenetic location: 1q31.3.
Variant type: Deletion.
Coding change: c.3173_3182del on transcript NM_000186.4 (MANE Select); coding-DNA positions 3173 to 3182, 10 bases deleted (ATATAGTGTC; older notation c.3173_3182delATATAGTGTC).
Protein change: p.Ala1057_Tyr1058insTer.
Molecular consequence: nonsense.
Genome position (GRCh38, 1-based): chr1:196,743,491-196,743,500, ATATAGTGTC deleted. VCF-style (leftmost placement, unchanged base first): chr1-196743490-TATATAGTGTC-T. GRCh37 (hg19) VCF-style: chr1-196712620-TATATAGTGTC-T.
Identifiers: ClinVar variation 2429376 (VCV002429376.3), dbSNP rs2529549247, ClinGen allele CA2580061793.
Genomic context (GRCh38, chr1:196,743,490, plus strand): 5'-CACTTCTTTTTTTTCTATTCAGACACCTCCTGTGTGAATCCGCCCACAGTACAAAATGCT[TATATAGTGTC>T]GAGACAGATGAGTAAATATCCATCTGGTGAGAGAGTACGTTATCAATGTAGGAGCCCTTA-3'

ClinVar aggregate classification (germline): Likely pathogenic (1 of 4 stars; one submission).

Conditions:
Hemolytic uremic syndrome, atypical, susceptibility to, 1. Also called: AHUS, SUSCEPTIBILITY TO, 1. Identifiers: Orphanet 2134, Orphanet 90038, MedGen C2749604, MONDO:0009335, OMIM 235400. Disease mechanism: Other.
Factor H deficiency (CFHD). Also called: COMPLEMENT FACTOR H DEFICIENCY; CFH DEFICIENCY. Identifiers: Orphanet 200421, MedGen C0398777, MONDO:0012350, OMIM 609814.

Submission:

Diagnostics Services (NGS), CSIR - Centre For Cellular And Molecular Biology
Classification: Likely pathogenic for Factor H deficiency; Hemolytic uremic syndrome, atypical, susceptibility to, 1. Last evaluated: 2023-01-20. Review status: criteria provided, single submitter. Criteria: ACMG Guidelines, 2015. Collection method: clinical testing. Allele origin: unknown. Affected: yes. Observed: 1 variant allele, 1 heterozygote.
Comment: The c.3173_3182del variant is not present in publicly available population databases like 1000 Genomes, ExAC, EVS, gnomAD, Indian Exome Database and our in-house exome database. This variant has neither been published nor reported to clinical databases like ClinVar, Human Genome Mutation Database (HGMD) or OMIM, in any affected individuals. In silico pathogenicity prediction programs like MutationTaster2, CADD, Varsome, Franklin etc predicted this variant to be likely deleterious. This variant causes frameshift and creates a premature translational stop signal at the 1058th amino acid position of the wild-type transcript that may either result in translation of a truncated protein or cause nonsense-mediated decay of the mRNA.